The following is an entry in ClinVar:

NM_001844.5(COL2A1):c.1527+1G>C

Gene: COL2A1 (collagen type II alpha 1 chain; minus strand). Cytogenetic location: 12q13.11.
Variant type: single nucleotide variant.
Coding change: c.1527+1G>C on transcript NM_001844.5 (MANE Select); the canonical splice donor site of the intron after coding-DNA position 1527, G replaced by C.
Molecular consequence: splice donor variant.
Genome position (GRCh38, 1-based): chr12:47,986,335, C>G on the plus strand (G>C on the coding strand, the complement: COL2A1 is on the minus strand). VCF-style: chr12-47986335-C-G. GRCh37 (hg19) VCF-style: chr12-48380118-C-G.
Other names: c.1320+1G>C (NM_033150.3).
Identifiers: ClinVar variation 3068651 (VCV003068651.1), dbSNP rs2540148810, ClinGen allele CA384552348.

ClinVar aggregate classification (germline): Likely pathogenic (1 of 4 stars; one submission).

Conditions:
Stickler syndrome type 1 (STL1). Also called: COL2A1-Related Stickler Syndrome; STICKLER SYNDROME, MEMBRANOUS VITREOUS TYPE; STICKLER SYNDROME, VITREOUS TYPE 1; ARTHROOPHTHALMOPATHY, HEREDITARY PROGRESSIVE. Identifiers: Orphanet 828, Orphanet 90653, MedGen C2020284, MONDO:0007160, OMIM 108300.

Submission:

Molecular Genetics, Royal Melbourne Hospital
Classification: Likely pathogenic for Stickler syndrome type 1. Last evaluated: 2023-11-05. Review status: criteria provided, single submitter. Criteria: ACMG Guidelines, 2015. Collection method: clinical testing. Allele origin: germline. Inheritance: Autosomal dominant inheritance. Affected: yes.
Comment: This sequence change in COL2A1 occurs within the canonical splice donor site of intron 23. It is predicted to cause cryptic donor site activation or skipping of biologically relevant-exon 23/54, resulting in an in-frame deletion (removes amino acids 474-509) that is expected to escape nonsense-mediated decay and remove <10% of the protein. This variant is absent from the population database gnomAD v2.1 and v3.1. This variant has been reported in at least two probands with Stickler syndrome (PMID: 26443184). Based on the classification scheme RMH Modified ACMG/AMP Guidelines v1.6.1, this variant is classified as LIKELY PATHOGENIC. Following criteria are met: PVS1_Strong, PM2_Supporting, PS4_Supporting.

Literature cited by the submitters: PubMed 26443184.